The following is an entry in ClinVar:

NM_001903.5(CTNNA1):c.2522C>G (p.Thr841Ser)

Gene: CTNNA1 (catenin alpha 1; plus strand). Cytogenetic location: 5q31.2.
Variant type: single nucleotide variant.
Coding change: c.2522C>G on transcript NM_001903.5 (MANE Select); coding-DNA position 2522, C replaced by G.
Protein change: p.Thr841Ser; replaces threonine 841 with serine.
Molecular consequence: missense variant. On other transcripts: 3 prime UTR variant (5).
Genome position (GRCh38, 1-based): chr5:138,933,890, C>G. VCF-style: chr5-138933890-C-G. GRCh37 (hg19) VCF-style: chr5-138269579-C-G.
Other names: c.1412C>G, p.Thr471Ser (NM_001323995.1, NM_001323996.1, NM_001323997.1 and 12 more transcripts); c.1277C>G, p.Thr426Ser (NM_001324001.1); c.*67C>G (NM_001324002.1, NM_001324003.1, NM_001324004.1 and 2 more transcripts); c.2213C>G, p.Thr738Ser (NM_001290309.3); c.2153C>G, p.Thr718Ser (NM_001290310.3); c.2522C>G, p.Thr841Ser (NM_001323982.2, NM_001323983.1, NM_001323984.2); c.2495C>G, p.Thr832Ser (NM_001323985.2); c.2429C>G, p.Thr810Ser (NM_001323986.2); and 3 more; short protein forms T426S, T440S, T810S, T390S, T718S, T738S, T358S, T832S.
Identifiers: ClinVar variation 1385215 (VCV001385215.6), dbSNP rs771672517, ClinGen allele CA361135323.

ClinVar aggregate classification (germline): Uncertain significance (1 of 4 stars; one submission).

Submission:

Labcorp Genetics (formerly Invitae), Labcorp
Classification: Uncertain significance. Last evaluated: 2024-04-29. Review status: criteria provided, single submitter. Criteria: Invitae Variant Classification Sherloc (09022015). Collection method: clinical testing. Allele origin: germline.
Comment: This sequence change replaces threonine, which is neutral and polar, with serine, which is neutral and polar, at codon 841 of the CTNNA1 protein (p.Thr841Ser). This variant is not present in population databases (gnomAD no frequency). This variant has not been reported in the literature in individuals affected with CTNNA1-related conditions. ClinVar contains an entry for this variant (Variation ID: 1385215). Advanced modeling of protein sequence and biophysical properties (such as structural, functional, and spatial information, amino acid conservation, physicochemical variation, residue mobility, and thermodynamic stability) has been performed at Invitae for this missense variant, however the output from this modeling did not meet the statistical confidence thresholds required to predict the impact of this variant on CTNNA1 protein function. In summary, the available evidence is currently insufficient to determine the role of this variant in disease. Therefore, it has been classified as a Variant of Uncertain Significance.